The following is an entry in ClinVar:

NM_016529.6(ATP8A2):c.560A>G (p.Asp187Gly)

Gene: ATP8A2 (ATPase phospholipid transporting 8A2). Cytogenetic location: 13q12.13.
Variant type: single nucleotide variant.
Coding change: c.560A>G on transcript NM_016529.6 (MANE Select); coding-DNA position 560, A replaced by G.
Protein change: p.Asp187Gly; replaces aspartic acid 187 with glycine.
Molecular consequence: missense variant.
Genome position (GRCh38, 1-based): chr13:25,538,040, A>G. VCF-style: chr13-25538040-A-G. GRCh37 (hg19) VCF-style: chr13-26112178-A-G.
Other names: c.440A>G, p.Asp147Gly (NM_001313741.1); c.560A>G, p.Asp187Gly (NM_001411005.1, NM_001411006.1); short protein forms D147G, D187G.
Identifiers: ClinVar variation 1716411 (VCV001716411.3), dbSNP rs2542286007, ClinGen allele CA387683143.

ClinVar aggregate classification (germline): Uncertain significance (1 of 4 stars; one submission).

Allele frequency attached by ClinVar (database versions not stated): gnomAD exomes below 0.00001.
gnomAD v4.1: 1 of 1,613,870 alleles (0.000062%); highest among the groups gnomAD compares: Non-Finnish European, 0.000085%; no homozygotes.

Submission:

Labcorp Genetics (formerly Invitae), Labcorp
Classification: Uncertain significance. Last evaluated: 2022-08-13. Review status: criteria provided, single submitter. Criteria: Invitae Variant Classification Sherloc (09022015). Collection method: clinical testing. Allele origin: germline.
Comment: This sequence change replaces aspartic acid, which is acidic and polar, with glycine, which is neutral and non-polar, at codon 187 of the ATP8A2 protein (p.Asp187Gly). This variant is not present in population databases (gnomAD no frequency). This variant has not been reported in the literature in individuals affected with ATP8A2-related conditions. Algorithms developed to predict the effect of missense changes on protein structure and function are either unavailable or do not agree on the potential impact of this missense change (SIFT: "Deleterious"; PolyPhen-2: "Probably Damaging"; Align-GVGD: "Class C0"). In summary, the available evidence is currently insufficient to determine the role of this variant in disease. Therefore, it has been classified as a Variant of Uncertain Significance.